The following is an entry in ClinVar:

NM_007294.4(BRCA1):c.2739T>C (p.Asn913=)

Gene: BRCA1 (BRCA1 DNA repair associated; minus strand). Cytogenetic location: 17q21.31.
Variant type: single nucleotide variant.
Coding change: c.2739T>C on transcript NM_007294.4 (MANE Select); coding-DNA position 2739, T replaced by C.
Protein change: p.Asn913=; no amino-acid change (asparagine 913 retained).
Molecular consequence: synonymous variant. On other transcripts: intron variant (137).
Genome position (GRCh38, 1-based): chr17:43,092,792, A>G on the plus strand (T>C on the coding strand, the complement: BRCA1 is on the minus strand). VCF-style: chr17-43092792-A-G. GRCh37 (hg19) VCF-style: chr17-41244809-A-G.
Other names: c.2616T>C, p.Asn872= (NM_001407676.1, NM_001407677.1, NM_001407678.1 and 19 more transcripts); c.2739T>C, p.Asn913= (NM_001407684.1, NM_001407581.1, NM_001407582.1 and 30 more transcripts); c.2613T>C, p.Asn871= (NM_001407685.1, NM_001407686.1, NM_001407687.1 and 11 more transcripts); c.2598T>C, p.Asn866= (NM_001407692.1, NM_001407694.1, NM_001407695.1 and 29 more transcripts); c.2595T>C, p.Asn865= (NM_001407740.1, NM_001407741.1, NM_001407742.1 and 20 more transcripts); c.2526T>C, p.Asn842= (NM_001407571.1, NM_001407853.1, NM_001407894.1 and 9 more transcripts); c.2736T>C, p.Asn912= (NM_001407587.1, NM_001407590.1, NM_001407591.1 and 22 more transcripts); c.2538T>C, p.Asn846= (NM_001407862.1); and 41 more.
Identifiers: ClinVar variation 230073 (VCV000230073.11), dbSNP rs273899688, ClinGen allele CA10580601.

ClinVar aggregate classification (germline): Likely benign. Review status: reviewed by expert panel (3 of 4 stars). 4 submissions from 4 submitters: Likely benign (1). 3 of the submissions do not count toward it. Last evaluated 2017-06-29.

Conditions:
Breast-ovarian cancer, familial, susceptibility to, 1 (BROVCA1). Also called: BRCA1 Hereditary Breast and Ovarian Cancer; OVARIAN CANCER, SUSCEPTIBILITY TO. Identifiers: Orphanet 145, MedGen C2676676, MONDO:0011450, OMIM 604370. Disease mechanism: loss of function.
Hereditary cancer-predisposing syndrome. Also called: Tumor predisposition; Hereditary Cancer Syndrome; Neoplastic Syndromes, Hereditary; Hereditary neoplastic syndrome. Identifiers: Orphanet 140162, MedGen C0027672, MeSH D009386, MONDO:0015356.

Submissions (4):

Evidence-based Network for the Interpretation of Germline Mutant Alleles (ENIGMA)
Classification: Likely benign for Breast-ovarian cancer, familial, susceptibility to, 1. Last evaluated: 2017-06-29. Review status: reviewed by expert panel. Criteria: ENIGMA BRCA1/2 Classification Criteria (2017-06-29). Collection method: curation. Allele origin: germline.
Comment: Synonymous substitution variant, with low bioinformatic likelihood to result in a splicing aberration (Splicing prior probability 0.02).

All of Us Research Program, National Institutes of Health
Classification: Likely benign for Breast-ovarian cancer, familial, susceptibility to, 1. Last evaluated: 2024-02-05. Review status: criteria provided, single submitter. Criteria: ACMG Guidelines, 2015. Collection method: clinical testing. Allele origin: germline. Inheritance: Autosomal dominant inheritance. Observed: 1 variant allele, 1 heterozygote. Not counted in ClinVar's aggregate classification.
Comment: This study involves interpretation of variants in research participants for the purpose of population health screening. Participant phenotype was not available at the time of variant classification. Additional details can be found in publication PMID: 35346344, PMCID: PMC8962531

Color Diagnostics, LLC DBA Color Health
Classification: Likely benign for Hereditary cancer-predisposing syndrome. Last evaluated: 2018-04-20. Review status: criteria provided, single submitter. Criteria: ACMG Guidelines, 2015. Collection method: clinical testing. Allele origin: germline. Not counted in ClinVar's aggregate classification.

Ambry Genetics
Classification: Likely benign for Hereditary cancer-predisposing syndrome. Last evaluated: 2015-01-13. Review status: criteria provided, single submitter. Criteria: Ambry Variant Classification Scheme 2023. Collection method: clinical testing. Allele origin: germline. Not counted in ClinVar's aggregate classification.